The following is an entry in ClinVar:

ClinVar aggregate classification (germline): Conflicting classifications of pathogenicity. Review status: criteria provided, conflicting classifications (1 of 4 stars). 12 submissions from 11 submitters: Uncertain significance (1); Benign (3); Likely benign (8). Last evaluated 2026-06-16.

Conditions:
RYR2-related disorder. Also called: RYR2-related condition.
Cardiovascular phenotype. Identifiers: MedGen CN230736.
Catecholaminergic polymorphic ventricular tachycardia (CVPT). Also called: Catecholamine-induced polymorphic ventricular tachycardia. Identifiers: Orphanet 3286, MedGen C5574922, MONDO:0017990.
Cardiomyopathy (CMYO). Also called: Cardiomyopathies. Identifiers: Orphanet 167848, MedGen C0878544, MONDO:0004994, HP:0001638. Inheritance: Various modes of inheritance.
Catecholaminergic polymorphic ventricular tachycardia 1. Also called: RYR2-Related Catecholaminergic Polymorphic Ventricular Tachycardia; VENTRICULAR TACHYCARDIA, CATECHOLAMINERGIC POLYMORPHIC, 1, WITH OR WITHOUT ATRIAL DYSFUNCTION AND/OR DILATED CARDIOMYOPATHY; VENTRICULAR TACHYCARDIA, STRESS-INDUCED POLYMORPHIC 1. Identifiers: Orphanet 3286, MedGen C1631597, MONDO:0011484, OMIM 604772.
Arrhythmogenic right ventricular dysplasia 2. Identifiers: MedGen C1832931.

Allele frequency attached by ClinVar (database versions not stated): ESP Exome Variant Server 0.00008; ExAC 0.00017; gnomAD exomes 0.00019 and 0.00035; TOPMed 0.00022; gnomAD 0.00023 and 0.00024.
gnomAD v4.1: 551 of 1,613,904 alleles (0.034%); highest among the groups gnomAD compares: Non-Finnish European, 0.044%; 1 homozygote.

Submissions (12):

PreventionGenetics, part of Exact Sciences
Classification: Likely benign for RYR2-related condition. Last evaluated: 2026-06-16. Review status: criteria provided, single submitter. Criteria: ACMG Guidelines, 2015. Collection method: clinical testing. Allele origin: germline.
Comment: This variant is classified as likely benign based on ACMG/AMP sequence variant interpretation guidelines (Richards et al. 2015 PMID: 25741868, with internal and published modifications).

Labcorp Genetics (formerly Invitae), Labcorp
Classification: Likely benign for Catecholaminergic polymorphic ventricular tachycardia 1. Last evaluated: 2026-01-28. Review status: criteria provided, single submitter. Criteria: Invitae Variant Classification Sherloc (09022015). Collection method: clinical testing. Allele origin: germline.

CeGaT Center for Human Genetics Tuebingen
Classification: Likely benign. Last evaluated: 2025-11-01. Review status: criteria provided, single submitter. Criteria: CeGaT Center For Human Genetics Tuebingen Variant Classification Criteria Version 2. Collection method: clinical testing. Allele origin: germline. Affected: yes. Observed: 1 variant allele.
Comment: RYR2: BP4, BS1

Mayo Clinic Laboratories, Mayo Clinic
Classification: Likely benign. Last evaluated: 2025-03-05. Review status: criteria provided, single submitter. Criteria: ACMG Guidelines, 2015. Collection method: clinical testing. Allele origin: germline. Observed: 1 variant allele.
Comment: BP4, BP7

Blueprint Genetics
Classification: Likely benign. Last evaluated: 2024-10-04. Review status: criteria provided, single submitter. Criteria: ACMG Guidelines, 2015. Collection method: clinical testing. Allele origin: germline.

All of Us Research Program, National Institutes of Health
Classification: Likely benign for Catecholaminergic polymorphic ventricular tachycardia. Last evaluated: 2024-02-05. Review status: criteria provided, single submitter. Criteria: ACMG Guidelines, 2015. Collection method: clinical testing. Allele origin: germline. Inheritance: Autosomal dominant inheritance. Observed: 49 variant alleles, 49 heterozygotes.
Comment: This study involves interpretation of variants in research participants for the purpose of population health screening. Participant phenotype was not available at the time of variant classification. Additional details can be found in publication PMID: 35346344, PMCID: PMC8962531

Women's Health and Genetics/Laboratory Corporation of America, LabCorp
Classification: Benign. Last evaluated: 2018-09-10. Review status: criteria provided, single submitter. Criteria: LabCorp Variant Classification Summary - May 2015. Collection method: clinical testing. Allele origin: germline.
Comment: Variant summary: RYR2 c.12492G>A alters a conserved nucleotide resulting in a synonymous change. 5/5 computational tools predict no significant impact on normal splicing. However, these predictions have yet to be confirmed by functional studies. The variant allele was found at a frequency of 0.0002 in 276742 control chromosomes (gnomAD). The observed variant frequency is approximately 8-fold above the estimated maximal expected allele frequency for a pathogenic variant in RYR2 causing Cardiomyopathy phenotype (2.5e-05), strongly suggesting that the variant is benign. The variant, c.12492G>A, has been reported in the literature in one individual affected with Cardiomyopathy as a benign variant (Berge_2008). This report does not provide unequivocal conclusions about association of the variant with Cardiomyopathy. To our knowledge, no experimental evidence demonstrating an impact on protein function has been reported. Two clinical diagnostic laboratories have submitted clinical-significance assessments for this variant to ClinVar after 2014 without evidence for independent evaluation and classified the variant as benign/likely benign. Based on the evidence outlined above, the variant was classified as benign.

Color Diagnostics, LLC DBA Color Health
Classification: Likely benign for Cardiomyopathy. Last evaluated: 2018-06-04. Review status: criteria provided, single submitter. Criteria: ACMG Guidelines, 2015. Collection method: clinical testing. Allele origin: germline.

Illumina Laboratory Services, Illumina
Classification: Uncertain significance for Catecholaminergic polymorphic ventricular tachycardia 1. Last evaluated: 2018-01-17. Review status: criteria provided, single submitter. Criteria: ICSL Variant Classification Criteria 13 December 2019. Collection method: clinical testing. Allele origin: germline.

Illumina Laboratory Services, Illumina
Classification: Benign for Catecholaminergic polymorphic ventricular tachycardia 1. Last evaluated: 2018-01-15. Review status: criteria provided, single submitter. Criteria: ICSL Variant Classification Criteria 13 December 2019. Collection method: clinical testing. Allele origin: germline.
Comment: This variant was observed in the ICSL laboratory as part of a predisposition screen in an ostensibly healthy population. It had not been previously curated by ICSL or reported in the Human Gene Mutation Database (HGMD: prior to June 1st, 2018), and was therefore a candidate for classification through an automated scoring system. Utilizing variant allele frequency, disease prevalence and penetrance estimates, and inheritance mode, an automated score was calculated to assess if this variant is too frequent to cause the disease. Based on the score and internal cut-off values, a variant classified as benign is not then subjected to further curation. The score for this variant resulted in a classification of benign for this disease.

Ambry Genetics
Classification: Likely benign for Cardiovascular phenotype. Last evaluated: 2016-11-10. Review status: criteria provided, single submitter. Criteria: Ambry Variant Classification Scheme 2023. Collection method: clinical testing. Allele origin: germline.

GeneDx
Classification: Benign. Last evaluated: 2014-10-03. Review status: criteria provided, single submitter. Criteria: GeneDx Variant Classification (06012015). Collection method: clinical testing. Allele origin: germline. Affected: yes.
Comment: This variant is considered likely benign or benign based on one or more of the following criteria: it is a conservative change, it occurs at a poorly conserved position in the protein, it is predicted to be benign by multiple in silico algorithms, and/or has population frequency not consistent with disease.

Literature cited by the submitters: PubMed 18752142 (cited by Women's Health and Genetics/Laboratory Corporation of America, LabCorp).

NM_001035.3(RYR2):c.12492G>A (p.Gln4164=)

Genes: RYR2 (ryanodine receptor 2; plus strand), LOC126806068 (BRD4-independent group 4 enhancer GRCh37_chr1:237947411-237948610; plus strand). Cytogenetic location: 1q43.
Variant type: single nucleotide variant.
Coding change: c.12492G>A on transcript NM_001035.3 (MANE Select); coding-DNA position 12492, G replaced by A.
Protein change: p.Gln4164=; no amino-acid change (glutamine 4164 retained).
Molecular consequence: synonymous variant.
Genome position (GRCh38, 1-based): chr1:237,784,204, G>A. VCF-style: chr1-237784204-G-A. GRCh37 (hg19) VCF-style: chr1-237947504-G-A.
Other names: p.Q4164Q:CAG>CAA; p.Gln4164=; c.12492G>A, p.Gln4164= (LRG_402t1).
Identifiers: ClinVar variation 201183 (VCV000201183.34), dbSNP rs377293019, ClinGen allele CA007543.